The following is an entry in ClinVar:

ClinVar aggregate classification (germline): Uncertain significance (1 of 4 stars; one submission).

Conditions:
Congenital myasthenic syndrome 17. Identifiers: Orphanet 590, MedGen C4225377, MONDO:0014578, OMIM 616304.
Cenani-Lenz syndactyly syndrome. Also called: CENANI SYNDACTYLISM; SYNDACTYLY, TYPE VII. Identifiers: Orphanet 3258, MedGen C1859309, MONDO:0008931, OMIM 212780.
Sclerosteosis 2 (SOST2). Identifiers: Orphanet 3152, MedGen C3280402, MONDO:0013679, OMIM 614305.

Submission:

Labcorp Genetics (formerly Invitae), Labcorp
Classification: Uncertain significance for Cenani-Lenz syndactyly syndrome; Sclerosteosis 2; Congenital myasthenic syndrome 17. Last evaluated: 2022-03-27. Review status: criteria provided, single submitter. Criteria: Invitae Variant Classification Sherloc (09022015). Collection method: clinical testing. Allele origin: germline.
Comment: In summary, the available evidence is currently insufficient to determine the role of this variant in disease. Therefore, it has been classified as a Variant of Uncertain Significance. Algorithms developed to predict the effect of missense changes on protein structure and function are either unavailable or do not agree on the potential impact of this missense change (SIFT: "Deleterious"; PolyPhen-2: "Benign"; Align-GVGD: "Class C0"). This variant has not been reported in the literature in individuals affected with LRP4-related conditions. This variant is not present in population databases (gnomAD no frequency). This sequence change replaces isoleucine, which is neutral and non-polar, with leucine, which is neutral and non-polar, at codon 676 of the LRP4 protein (p.Ile676Leu).

NM_002334.4(LRP4):c.2026A>C (p.Ile676Leu)

Gene: LRP4 (LDL receptor related protein 4; minus strand). Cytogenetic location: 11p11.2.
Variant type: single nucleotide variant.
Coding change: c.2026A>C on transcript NM_002334.4 (MANE Select); coding-DNA position 2026, A replaced by C.
Protein change: p.Ile676Leu; replaces isoleucine 676 with leucine.
Molecular consequence: missense variant.
Genome position (GRCh38, 1-based): chr11:46,890,010, T>G on the plus strand (A>C on the coding strand, the complement: LRP4 is on the minus strand). VCF-style: chr11-46890010-T-G. GRCh37 (hg19) VCF-style: chr11-46911561-T-G.
Other names: short protein forms I676L.
Identifiers: ClinVar variation 2118147 (VCV002118147.4), dbSNP rs1177037768, ClinGen allele CA380281878.